The following is an entry in ClinVar:

NM_015080.4(NRXN2):c.2597C>G (p.Thr866Arg)

Gene: NRXN2 (neurexin 2; minus strand). Cytogenetic location: 11q13.1.
Variant type: single nucleotide variant.
Coding change: c.2597C>G on transcript NM_015080.4 (MANE Select); coding-DNA position 2597, C replaced by G.
Protein change: p.Thr866Arg; replaces threonine 866 with arginine.
Molecular consequence: missense variant.
Genome position (GRCh38, 1-based): chr11:64,651,576, G>C on the plus strand (C>G on the coding strand, the complement: NRXN2 is on the minus strand). VCF-style: chr11-64651576-G-C. GRCh37 (hg19) VCF-style: chr11-64419048-G-C.
Other names: c.2597C>G, p.Thr866Arg (NM_001376262.1); c.2576C>G, p.Thr859Arg (NM_001376263.1, NM_001376267.1); c.2552C>G, p.Thr851Arg (NM_001376265.1); c.2573C>G, p.Thr858Arg (NM_001376266.1); c.2477C>G, p.Thr826Arg (NM_138732.3); short protein forms T858R, T826R, T866R, T851R, T859R.
Identifiers: ClinVar variation 4722594 (VCV004722594.1).

ClinVar aggregate classification (germline): Uncertain significance (1 of 4 stars; one submission).

Submission:

Labcorp Genetics (formerly Invitae), Labcorp
Classification: Uncertain significance. Last evaluated: 2025-07-03. Review status: criteria provided, single submitter. Criteria: Invitae Variant Classification Sherloc (09022015). Collection method: clinical testing. Allele origin: germline.
Comment: This sequence change replaces threonine, which is neutral and polar, with arginine, which is basic and polar, at codon 826 of the NRXN2 protein (p.Thr826Arg). This variant is not present in population databases (gnomAD no frequency). This variant has not been reported in the literature in individuals affected with NRXN2-related conditions. An algorithm developed to predict the effect of missense changes on protein structure and function (PolyPhen-2) suggests that this variant is likely to be disruptive. In summary, the available evidence is currently insufficient to determine the role of this variant in disease. Therefore, it has been classified as a Variant of Uncertain Significance.